The following is an entry in ClinVar:

NM_003468.4(FZD5):c.196G>C (p.Glu66Gln)

Gene: FZD5 (frizzled class receptor 5; minus strand). Cytogenetic location: 2q33.3.
Variant type: single nucleotide variant.
Coding change: c.196G>C on transcript NM_003468.4 (MANE Select); coding-DNA position 196, G replaced by C.
Protein change: p.Glu66Gln; replaces glutamic acid 66 with glutamine.
Molecular consequence: missense variant.
Genome position (GRCh38, 1-based): chr2:207,768,544, C>G on the plus strand (G>C on the coding strand, the complement: FZD5 is on the minus strand). VCF-style: chr2-207768544-C-G. GRCh37 (hg19) VCF-style: chr2-208633268-C-G.
Other names: short protein forms E66Q.
Identifiers: ClinVar variation 3641509 (VCV003641509.2).
Genomic context (GRCh38, chr2:207,768,544, plus strand): 5'-GGAAGAAGCGCAGGTCCGGCGAGCATTGGATCTCCACCAGCGGCCAGAACTGGTGCACCT[C>G]CAGGCCCGCCTCGTCCTGCGTGTCGTGGTTGAACTGGTTGGGCATGTGCGTCAGGTTGTA-3'
Protein context (NP_003459.2, residues 56-76): NHDTQDEAGL[Glu66Gln]VHQFWPLVEI

ClinVar aggregate classification (germline): Uncertain significance (1 of 4 stars; one submission).

gnomAD v4.1: 7 of 1,613,996 alleles (0.00043%); highest among the groups gnomAD compares: Non-Finnish European, 0.00034%; no homozygotes.

Submission:

Labcorp Genetics (formerly Invitae), Labcorp
Classification: Uncertain significance. Last evaluated: 2024-02-29. Review status: criteria provided, single submitter. Criteria: Invitae Variant Classification Sherloc (09022015). Collection method: clinical testing. Allele origin: germline.
Comment: This sequence change replaces glutamic acid, which is acidic and polar, with glutamine, which is neutral and polar, at codon 66 of the FZD5 protein (p.Glu66Gln). This variant is present in population databases (rs769512339, gnomAD 0.003%). This variant has not been reported in the literature in individuals affected with FZD5-related conditions. Advanced modeling of protein sequence and biophysical properties (such as structural, functional, and spatial information, amino acid conservation, physicochemical variation, residue mobility, and thermodynamic stability) performed at Invitae indicates that this missense variant is not expected to disrupt FZD5 protein function with a negative predictive value of 80%. In summary, the available evidence is currently insufficient to determine the role of this variant in disease. Therefore, it has been classified as a Variant of Uncertain Significance.